The following is an entry in ClinVar:

ClinVar aggregate classification (germline): Pathogenic. Review status: criteria provided, multiple submitters, no conflicts (2 of 4 stars). 2 submissions from 2 submitters: Pathogenic (2). Last evaluated 2024-10-14.

Conditions:
Duchenne muscular dystrophy (DMD). Also called: MUSCULAR DYSTROPHY, PSEUDOHYPERTROPHIC PROGRESSIVE, DUCHENNE TYPE; Duchenne Muscular Dystrophy (DMD). Identifiers: Orphanet 98896, MedGen C0013264, MONDO:0010679, OMIM 310200.

Submissions (2):

Revvity Omics, Revvity
Classification: Pathogenic. Last evaluated: 2024-10-14. Review status: criteria provided, single submitter. Criteria: ACMG Guidelines, 2015. Collection method: clinical testing. Allele origin: germline.

Labcorp Genetics (formerly Invitae), Labcorp
Classification: Pathogenic for Duchenne muscular dystrophy. Last evaluated: 2024-04-27. Review status: criteria provided, single submitter. Criteria: Invitae Variant Classification Sherloc (09022015). Collection method: clinical testing. Allele origin: germline.
Comment: This sequence change creates a premature translational stop signal (p.Gln3310*) in the DMD gene. It is expected to result in an absent or disrupted protein product. Loss-of-function variants in DMD are known to be pathogenic (PMID: 16770791, 25007885). This variant is not present in population databases (gnomAD no frequency). This premature translational stop signal has been observed in individuals with Duchenne muscular dystrophy (PMID: 15643612, 19937601). ClinVar contains an entry for this variant (Variation ID: 455949). For these reasons, this variant has been classified as Pathogenic.

Literature cited by the submitters: PubMed 16770791 (cited by Labcorp Genetics (formerly Invitae), Labcorp); PubMed 25007885 (cited by Labcorp Genetics (formerly Invitae), Labcorp); PubMed 15643612 (cited by Labcorp Genetics (formerly Invitae), Labcorp); PubMed 19937601 (cited by Labcorp Genetics (formerly Invitae), Labcorp).

NM_004006.3(DMD):c.9928C>T (p.Gln3310Ter)

Gene: DMD (dystrophin; minus strand). Cytogenetic location: Xp21.2.
Variant type: single nucleotide variant.
Coding change: c.9928C>T on transcript NM_004006.3 (MANE Select); coding-DNA position 9928, C replaced by T.
Protein change: p.Gln3310Ter; replaces glutamine 3310 with a stop codon.
Molecular consequence: nonsense.
Genome position (GRCh38, 1-based): chrX:31,182,784, G>A on the plus strand (C>T on the coding strand, the complement: DMD is on the minus strand). VCF-style: chrX-31182784-G-A. GRCh37 (hg19) VCF-style: chrX-31200901-G-A.
Other names: c.9904C>T, p.Gln3302Ter (NM_000109.4); c.9916C>T, p.Gln3306Ter (NM_004009.3); c.9559C>T, p.Gln3187Ter (NM_004010.3); c.5905C>T, p.Gln1969Ter (NM_004011.4); c.5896C>T, p.Gln1966Ter (NM_004012.4); c.2548C>T, p.Gln850Ter (NM_004013.3, NM_004020.4, NM_004021.3 and 2 more transcripts); c.1741C>T, p.Gln581Ter (NM_004014.3); c.724C>T, p.Gln242Ter (NM_004015.3, NM_004016.3, NM_004017.3 and 2 more transcripts); short protein forms Q3310*, Q3306*, Q850*, Q242*, Q3302*, Q1966*, Q1969*, Q3187*.
Identifiers: ClinVar variation 455949 (VCV000455949.11), dbSNP rs104894789, ClinGen allele CA328405792.